The following is an entry in ClinVar:

ClinVar aggregate classification (germline): Uncertain significance. Review status: criteria provided, multiple submitters, no conflicts (2 of 4 stars). 5 submissions from 5 submitters: Uncertain significance (5). Last evaluated 2026-01-28.

Conditions:
Hereditary cancer-predisposing syndrome. Also called: Tumor predisposition; Neoplastic Syndromes, Hereditary; Hereditary Cancer Syndrome; Hereditary neoplastic syndrome. Identifiers: Orphanet 140162, MedGen C0027672, MeSH D009386, MONDO:0015356.

Allele frequency attached by ClinVar (database versions not stated): gnomAD 0.00004; TOPMed 0.00004; gnomAD exomes 0.00005; ExAC 0.00010; ESP Exome Variant Server 0.00023.
gnomAD v4.1: 44 of 1,591,204 alleles (0.0028%); highest among the groups gnomAD compares: East Asian, 0.0045%; no homozygotes.

Submissions (5):

Labcorp Genetics (formerly Invitae), Labcorp
Classification: Uncertain significance. Last evaluated: 2026-01-28. Review status: criteria provided, single submitter. Criteria: Invitae Variant Classification Sherloc (09022015). Collection method: clinical testing. Allele origin: germline.
Comment: This sequence change replaces arginine, which is basic and polar, with histidine, which is basic and polar, at codon 1519 of the POLE protein (p.Arg1519His). This variant is present in population databases (rs376530977, gnomAD 0.01%). This missense change has been observed in individual(s) with uterine cancer (PMID: 34326862). ClinVar contains an entry for this variant (Variation ID: 240528). Invitae Evidence Modeling of protein sequence and biophysical properties (such as structural, functional, and spatial information, amino acid conservation, physicochemical variation, residue mobility, and thermodynamic stability) indicates that this missense variant is not expected to disrupt POLE protein function with a negative predictive value of 80%. In summary, the available evidence is currently insufficient to determine the role of this variant in disease. Therefore, it has been classified as a Variant of Uncertain Significance.

Center for Genomic Medicine, Rigshospitalet, Copenhagen University Hospital
Classification: Uncertain significance. Last evaluated: 2025-03-04. Review status: criteria provided, single submitter. Criteria: ACMG Guidelines, 2015. Collection method: clinical testing. Allele origin: germline.

GeneDx
Classification: Uncertain significance. Last evaluated: 2024-12-17. Review status: criteria provided, single submitter. Criteria: GeneDx Variant Classification Process June 2021. Collection method: clinical testing. Allele origin: germline. Affected: yes.
Comment: Observed in an individual with a personal history of uterine cancer with family history of breast, ovarian, gastric, and thyroid cancer (PMID: 34326862); In silico analysis supports that this missense variant has a deleterious effect on protein structure/function; This variant is associated with the following publications: (PMID: 28481359, 34326862)

Ambry Genetics
Classification: Uncertain significance for Hereditary cancer-predisposing syndrome. Last evaluated: 2024-12-06. Review status: criteria provided, single submitter. Criteria: Ambry Variant Classification Scheme 2023. Collection method: clinical testing. Allele origin: germline.
Comment: The p.R1519H variant (also known as c.4556G>A), located in coding exon 36 of the POLE gene, results from a G to A substitution at nucleotide position 4556. The arginine at codon 1519 is replaced by histidine, an amino acid with highly similar properties. This amino acid position is highly conserved in available vertebrate species. In addition, the in silico prediction for this alteration is inconclusive. Based on the available evidence, the clinical significance of this variant remains unclear.

ARUP Laboratories, Molecular Genetics and Genomics, ARUP Laboratories
Classification: Uncertain significance. Last evaluated: 2023-09-28. Review status: criteria provided, single submitter. Criteria: ARUP Molecular Germline Variant Investigation Process 2024. Collection method: clinical testing. Allele origin: germline.
Comment: The POLE c.4556G>A; p.Arg1519His variant (rs376530977) is reported in the literature in one individual from a large cohort with familial cancer syndromes without clear disease association (Bhai 2021). This variant is reported in ClinVar (Variation ID: 240528) and is found in the general population with an overall allele frequency of 0.005% (12/257050 alleles) in the Genome Aggregation Database. Computational analyses are uncertain whether this variant is neutral or deleterious (REVEL: 0.361). However, variant is not located in the exonuclease domain (Palles 2013), and gene-disease association has not been established for variants outside of the exonuclease domain (Seifert 2019). Due to limited information, the clinical significance of this variant is uncertain at this time. References: Bhai P et al. Analysis of Sequence and Copy Number Variants in Canadian Patient Cohort With Familial Cancer Syndromes Using a Unique Next Generation Sequencing Based Approach. Front Genet. 2021 Jul 13;12:698595. PMID: 34326862. Palles C et al. Germline mutations affecting the proofreading domains of POLE and POLD1 predispose to colorectal adenomas and carcinomas. Nat Genet. 2013 Feb;45(2):136-44. PMID: 23263490. Seifert BA et al. Determining the clinical validity of hereditary colorectal cancer and polyposis susceptibility genes using the Clinical Genome Resource Clinical Validity Framework. Genet Med. 2019 Jul;21(7):1507-1516. PMID: 30523343.

Literature cited by the submitters: PubMed 34326862 (cited by Labcorp Genetics (formerly Invitae), Labcorp).

NM_006231.4(POLE):c.4556G>A (p.Arg1519His)

Gene: POLE (DNA polymerase epsilon, catalytic subunit; minus strand). Cytogenetic location: 12q24.33.
Variant type: single nucleotide variant.
Coding change: c.4556G>A on transcript NM_006231.4 (MANE Select); coding-DNA position 4556, G replaced by A.
Protein change: p.Arg1519His; replaces arginine 1519 with histidine.
Molecular consequence: missense variant.
Genome position (GRCh38, 1-based): chr12:132,642,992, C>T on the plus strand (G>A on the coding strand, the complement: POLE is on the minus strand). VCF-style: chr12-132642992-C-T. GRCh37 (hg19) VCF-style: chr12-133219578-C-T.
Other names: short protein forms R1519H.
Identifiers: ClinVar variation 240528 (VCV000240528.25), dbSNP rs376530977, ClinGen allele CA6892777.